The following is an entry in ClinVar:

ClinVar aggregate classification (germline): Likely pathogenic. Review status: criteria provided, multiple submitters, no conflicts (2 of 4 stars). 2 submissions from 2 submitters: Likely pathogenic (2). Last evaluated 2024-01-31.

Conditions:
Dilated cardiomyopathy 1G (CMD1G). Identifiers: Orphanet 154, MedGen C1858763, MONDO:0011400, OMIM 604145.
Autosomal recessive limb-girdle muscular dystrophy type 2J (LGMDR10). Also called: Limb-girdle muscular dystrophy, type 2J; MUSCULAR DYSTROPHY, LIMB-GIRDLE, AUTOSOMAL RECESSIVE 10. Identifiers: Orphanet 140922, MedGen C1837342, MONDO:0012127, OMIM 608807.

Submissions (2):

Women's Health and Genetics/Laboratory Corporation of America, LabCorp
Classification: Likely pathogenic for Autosomal recessive limb-girdle muscular dystrophy type 2J. Last evaluated: 2024-01-31. Review status: criteria provided, single submitter. Criteria: LabCorp Variant Classification Summary - May 2015. Collection method: clinical testing. Allele origin: germline.
Comment: Variant summary: TTN c.46810A>T (p.Lys15604X) results in a premature termination codon, predicted to cause a truncation of the encoded protein or absence of the protein due to nonsense mediated decay, which are commonly known mechanisms for disease. Nonsense, frameshift, and canonical splice-site variants in TTN are strongly associated with DCM when they affect exons encoding for the A-band region (PMIDs: 22335739, 24503780) and/or exons constitutively expressed (proportion spliced in [PSI]>0.9) in the primary cardiac isoforms (PMIDs: 25589632, 31216868, 32964742, 27869827), which is the case forthis variant (A-band with a PSI score of 100%). The variant was absent in 247698 control chromosomes (gnomAD). To our knowledge, no occurrence of c.46810A>T in individuals affected with Limb-Girdle Muscular Dystrophy, Type 2J and no experimental evidence demonstrating its impact on protein function have been reported. ClinVar contains an entry for this variant (Variation ID: 2010917). Based on the evidence outlined above, the variant was classified as likely pathogenic.

Labcorp Genetics (formerly Invitae), Labcorp
Classification: Likely pathogenic for Dilated cardiomyopathy 1G; Autosomal recessive limb-girdle muscular dystrophy type 2J. Last evaluated: 2022-06-26. Review status: criteria provided, single submitter. Criteria: Invitae Variant Classification Sherloc (09022015). Collection method: clinical testing. Allele origin: germline.
Comment: This sequence change creates a premature translational stop signal (p.Lys18172*) in the TTN gene. While this is not anticipated to result in nonsense mediated decay, it is expected to create a truncated TTN protein. In summary, the currently available evidence indicates that the variant is pathogenic, but additional data are needed to prove that conclusively. Therefore, this variant has been classified as Likely Pathogenic. This variant is located in the A band of TTN (PMID: 25589632). Truncating variants in this region are significantly overrepresented in patients affected with dilated cardiomyopathy (PMID: 25589632). Truncating variants in this region have also been reported in individuals affected with autosomal recessive centronuclear myopathy (PMID: 23975875). This variant has not been reported in the literature in individuals affected with TTN-related conditions. This variant is not present in population databases (gnomAD no frequency).

Literature cited by the submitters: PubMed 25589632 (cited by Labcorp Genetics (formerly Invitae), Labcorp); PubMed 23975875 (cited by Labcorp Genetics (formerly Invitae), Labcorp).

NM_001267550.2(TTN):c.54514A>T (p.Lys18172Ter)

Genes: TTN-AS1 (TTN antisense RNA 1; plus strand), TTN (titin; minus strand). Cytogenetic location: 2q31.2.
Variant type: single nucleotide variant.
Coding change: c.54514A>T on transcript NM_001267550.2 (MANE Select); coding-DNA position 54514, A replaced by T.
Protein change: p.Lys18172Ter; replaces lysine 18172 with a stop codon.
Molecular consequence: nonsense.
Genome position (GRCh38, 1-based): chr2:178,604,173, T>A on the plus strand (A>T on the coding strand, the complement: TTN is on the minus strand). VCF-style: chr2-178604173-T-A. GRCh37 (hg19) VCF-style: chr2-179468900-T-A.
Other names: c.49591A>T, p.Lys16531Ter (NM_001256850.1); c.27319A>T, p.Lys9107Ter (NM_003319.4); c.46810A>T, p.Lys15604Ter (NM_133378.4); c.27694A>T, p.Lys9232Ter (NM_133432.3); c.27895A>T, p.Lys9299Ter (NM_133437.4); short protein forms K18172*, K9107*, K9232*, K16531*, K15604*, K9299*.
Identifiers: ClinVar variation 2010917 (VCV002010917.5), dbSNP rs2470121680, ClinGen allele CA349551963.